The following is an entry in ClinVar:

ClinVar aggregate classification (germline): Uncertain significance (1 of 4 stars; one submission).

Conditions:
Inclusion body myopathy and brain white matter abnormalities (IBMWMA). Also called: MULTISYSTEM PROTEINOPATHY 6. Identifiers: MedGen C5676909, MONDO:0850514, OMIM 619733.

gnomAD v4.1: 3 of 1,609,886 alleles (0.00019%); highest among the groups gnomAD compares: East Asian, 0.0022%; no homozygotes.

Submission:

Juno Genomics, Hangzhou Juno Genomics, Inc
Classification: Uncertain significance for Inclusion body myopathy and brain white matter abnormalities. Review status: criteria provided, single submitter. Criteria: ACMG Guidelines, 2015. Collection method: clinical testing. Allele origin: germline. Affected: yes.
Comment: Absent from controls (or at extremely low frequency if recessive) in Genome Aggregation Database, Exome Sequencing Project, 1000 Genomes Project, or Exome Aggregation Consortium.

NM_145868.2(ANXA11):c.1089G>A (p.Glu363=)

Gene: ANXA11 (annexin A11; minus strand). Cytogenetic location: 10q22.3.
Variant type: single nucleotide variant.
Coding change: c.1089G>A on transcript NM_145868.2 (MANE Select); coding-DNA position 1089, G replaced by A.
Protein change: p.Glu363=; no amino-acid change (glutamic acid 363 retained).
Molecular consequence: synonymous variant.
Genome position (GRCh38, 1-based): chr10:80,162,026, C>T on the plus strand (G>A on the coding strand, the complement: ANXA11 is on the minus strand). VCF-style: chr10-80162026-C-T. GRCh37 (hg19) VCF-style: chr10-81921782-C-T.
Other names: c.1089G>A, p.Glu363= (NM_145869.2, NM_001157.3, NM_001278407.2 and 1 more transcripts); c.990G>A, p.Glu330= (NM_001278409.2).
Identifiers: ClinVar variation 3383190 (VCV003383190.2).